The following is an entry in ClinVar:

ClinVar aggregate classification (germline): Likely benign (0 of 4 stars; one submission).

Conditions:
SOD1-related disorder. Also called: SOD1-related condition.

gnomAD v4.1: 1 of 152,186 alleles (0.00066%); highest among the groups gnomAD compares: African/African-American, 0.0024%; no homozygotes.

Submission:

PreventionGenetics, part of Exact Sciences
Classification: Likely benign for SOD1-related condition. Last evaluated: 2019-07-19. Review status: no assertion criteria provided. Collection method: clinical testing. Allele origin: germline.
Comment: This variant is classified as likely benign based on ACMG/AMP sequence variant interpretation guidelines (Richards et al. 2015 PMID: 25741868, with internal and published modifications).

NM_000454.5(SOD1):c.358-295A>G

Gene: SOD1 (superoxide dismutase 1; plus strand). Cytogenetic location: 21q22.11.
Variant type: single nucleotide variant.
Coding change: c.358-295A>G on transcript NM_000454.5 (MANE Select); 295 bases into the intron before coding-DNA position 358, A replaced by G.
Molecular consequence: intron variant.
Genome position (GRCh38, 1-based): chr21:31,668,176, A>G. VCF-style: chr21-31668176-A-G. GRCh37 (hg19) VCF-style: chr21-33040489-A-G.
Identifiers: ClinVar variation 3350974 (VCV003350974.1).